The following is an entry in ClinVar:

ClinVar aggregate classification (germline): Uncertain significance (1 of 4 stars; one submission).

Conditions:
Cardiovascular phenotype. Identifiers: MedGen CN230736.

Allele frequency attached by ClinVar (database versions not stated): gnomAD exomes below 0.00001.
gnomAD v4.1: 5 of 1,607,944 alleles (0.00031%); highest among the groups gnomAD compares: Non-Finnish European, 0.00042%; no homozygotes.

Submission:

Ambry Genetics
Classification: Uncertain significance for Cardiovascular phenotype. Last evaluated: 2024-11-10. Review status: criteria provided, single submitter. Criteria: Ambry Variant Classification Scheme 2023. Collection method: clinical testing. Allele origin: germline.
Comment: The p.T795I variant (also known as c.2384C>T), located in coding exon 4 of the TNXB gene, results from a C to T substitution at nucleotide position 2384. The threonine at codon 795 is replaced by isoleucine, an amino acid with similar properties. This amino acid position is conserved. In addition, this alteration is predicted to be tolerated by in silico analysis. Since supporting evidence is limited at this time, the clinical significance of this alteration remains unclear.

NM_001365276.2(TNXB):c.2384C>T (p.Thr795Ile)

Gene: TNXB (tenascin XB; minus strand). Cytogenetic location: 6p21.33.
Variant type: single nucleotide variant.
Coding change: c.2384C>T on transcript NM_001365276.2 (MANE Select); coding-DNA position 2384, C replaced by T.
Protein change: p.Thr795Ile; replaces threonine 795 with isoleucine.
Molecular consequence: missense variant.
Genome position (GRCh38, 1-based): chr6:32,089,354, G>A on the plus strand (C>T on the coding strand, the complement: TNXB is on the minus strand). VCF-style: chr6-32089354-G-A. GRCh37 (hg19) VCF-style: chr6-32057131-G-A.
Other names: c.2384C>T, p.Thr795Ile (NM_019105.8); short protein forms T795I.
Identifiers: ClinVar variation 1790471 (VCV001790471.3), dbSNP rs2127273992, ClinGen allele CA363464818.